The following is an entry in ClinVar:

ClinVar aggregate classification (germline): Uncertain significance (1 of 4 stars; one submission).

Allele frequency attached by ClinVar (database versions not stated): ExAC 0.00001; gnomAD exomes 0.00002; TOPMed 0.00002.

Submission:

Labcorp Genetics (formerly Invitae), Labcorp
Classification: Uncertain significance. Last evaluated: 2022-11-06. Review status: criteria provided, single submitter. Criteria: Invitae Variant Classification Sherloc (09022015). Collection method: clinical testing. Allele origin: germline.
Comment: Advanced modeling of protein sequence and biophysical properties (such as structural, functional, and spatial information, amino acid conservation, physicochemical variation, residue mobility, and thermodynamic stability) performed at Invitae indicates that this missense variant is not expected to disrupt SRCAP protein function. This variant has not been reported in the literature in individuals affected with SRCAP-related conditions. The frequency data for this variant in the population databases is considered unreliable, as metrics indicate poor data quality at this position in the gnomAD database. This sequence change replaces arginine, which is basic and polar, with histidine, which is basic and polar, at codon 2829 of the SRCAP protein (p.Arg2829His). In summary, the available evidence is currently insufficient to determine the role of this variant in disease. Therefore, it has been classified as a Variant of Uncertain Significance.

NM_006662.3(SRCAP):c.8486G>A (p.Arg2829His)

Gene: SRCAP (Snf2 related CREBBP activator protein; plus strand). Cytogenetic location: 16p11.2.
Variant type: single nucleotide variant.
Coding change: c.8486G>A on transcript NM_006662.3 (MANE Select); coding-DNA position 8486, G replaced by A.
Protein change: p.Arg2829His; replaces arginine 2829 with histidine.
Molecular consequence: missense variant.
Genome position (GRCh38, 1-based): chr16:30,738,526, G>A. VCF-style: chr16-30738526-G-A. GRCh37 (hg19) VCF-style: chr16-30749847-G-A.
Other names: short protein forms R2829H.
Identifiers: ClinVar variation 2902414 (VCV002902414.3), dbSNP rs754119207, ClinGen allele CA8012710.